The following is an entry in ClinVar:

ClinVar aggregate classification (germline): Uncertain significance (1 of 4 stars; one submission).

Conditions:
Inborn genetic diseases. Identifiers: MedGen C0950123, MeSH D030342.

Submission:

Ambry Genetics
Classification: Uncertain significance for Inborn genetic diseases. Last evaluated: 2023-02-10. Review status: criteria provided, single submitter. Criteria: Ambry Variant Classification Scheme 2023. Collection method: clinical testing. Allele origin: germline.
Comment: The p.S381F variant (also known as c.1142C>T), located in coding exon 12 of the ERCC2 gene, results from a C to T substitution at nucleotide position 1142. The serine at codon 381 is replaced by phenylalanine, an amino acid with highly dissimilar properties. This amino acid position is conserved. In addition, this alteration is predicted to be deleterious by in silico analysis. Since supporting evidence is limited at this time, the clinical significance of this alteration remains unclear.

NM_000400.4(ERCC2):c.1142C>T (p.Ser381Phe)

Gene: ERCC2 (ERCC excision repair 2, TFIIH core complex helicase subunit; minus strand). Cytogenetic location: 19q13.32.
Variant type: single nucleotide variant.
Coding change: c.1142C>T on transcript NM_000400.4 (MANE Select); coding-DNA position 1142, C replaced by T.
Protein change: p.Ser381Phe; replaces serine 381 with phenylalanine.
Molecular consequence: missense variant.
Genome position (GRCh38, 1-based): chr19:45,361,619, G>A on the plus strand (C>T on the coding strand, the complement: ERCC2 is on the minus strand). VCF-style: chr19-45361619-G-A. GRCh37 (hg19) VCF-style: chr19-45864877-G-A.
Other names: c.1070C>T, p.Ser357Phe (NM_001130867.2); short protein forms S381F, S357F.
Identifiers: ClinVar variation 2479867 (VCV002479867.2), dbSNP rs766615005, ClinGen allele CA406370105.